The following is an entry in ClinVar:

ClinVar aggregate classification (germline): Uncertain significance (0 of 4 stars; one submission).

Allele frequency attached by ClinVar (database versions not stated): gnomAD 0.00001; gnomAD exomes 0.00001.

Submission:

Martin Pollak Laboratory,  Beth Israel Deaconess Medical Center
Classification: Uncertain significance. Review status: no assertion criteria provided. Collection method: not provided. Allele origin: unknown.
Comment: Higher UCa2+ group
ClinVar note: Converted during submission from unknown to Uncertain significance.

NM_003040.4(SLC4A2):c.3559C>T (p.Leu1187=)

Gene: SLC4A2 (solute carrier family 4 member 2; plus strand). Cytogenetic location: 7q36.1.
Variant type: single nucleotide variant.
Coding change: c.3559C>T on transcript NM_003040.4 (MANE Select); coding-DNA position 3559, C replaced by T.
Protein change: p.Leu1187=; no amino-acid change (leucine 1187 retained).
Molecular consequence: synonymous variant.
Genome position (GRCh38, 1-based): chr7:151,076,100, C>T. VCF-style: chr7-151076100-C-T. GRCh37 (hg19) VCF-style: chr7-150773187-C-T.
Other names: c.3559C>T, p.Leu1187= (NM_001199692.3); c.3532C>T, p.Leu1178= (NM_001199693.1); c.3517C>T, p.Leu1173= (NM_001199694.2).
Identifiers: ClinVar variation 64515 (VCV000064515.2), dbSNP rs387907527, ClinGen allele CA216319.